The following is an entry in ClinVar:

NM_000074.3(CD40LG):c.556C>T (p.Gln186Ter)

Gene: CD40LG (CD40 ligand; plus strand). Cytogenetic location: Xq26.3.
Variant type: single nucleotide variant.
Coding change: c.556C>T on transcript NM_000074.3 (MANE Select); coding-DNA position 556, C replaced by T.
Protein change: p.Gln186Ter; replaces glutamine 186 with a stop codon.
Molecular consequence: nonsense.
Genome position (GRCh38, 1-based): chrX:136,659,185, C>T. VCF-style: chrX-136659185-C-T. GRCh37 (hg19) VCF-style: chrX-135741344-C-T.
Other names: short protein forms Q186*.
Identifiers: ClinVar variation 954151 (VCV000954151.10), dbSNP rs2076127276, ClinGen allele CA414755873.
Genomic context (GRCh38, chrX:136,659,185, plus strand): 5'-CAAGGACTCTATTATATCTATGCCCAAGTCACCTTCTGTTCCAATCGGGAAGCTTCGAGT[C>T]AAGCTCCATTTATAGCCAGCCTCTGCCTAAAGTCCCCCGGTAGATTCGAGAGAATCTTAC-3'

ClinVar aggregate classification (germline): Pathogenic (1 of 4 stars; one submission).

Conditions:
Hyper-IgM syndrome type 1. Also called: CD40 Ligand Deficiency; X-linked hyper-IgM syndrome; Immunodeficiency, X-linked, with hyper-IgM; Hyper-IgM Immunodeficiency Syndrome, Type 1. Identifiers: Orphanet 101088, MedGen C0398689, MONDO:0010626, OMIM 308230.

Submission:

Labcorp Genetics (formerly Invitae), Labcorp
Classification: Pathogenic for Hyper-IgM syndrome type 1. Last evaluated: 2021-02-08. Review status: criteria provided, single submitter. Criteria: Invitae Variant Classification Sherloc (09022015). Collection method: clinical testing. Allele origin: germline.
Comment: This variant has been observed in individuals affected with X-linked hyper IgM deficiency (PMID: 9746782, 20591076). This variant is also known as 577C>T in the literature. For these reasons, this variant has been classified as Pathogenic. This variant disrupts the C-terminus of the CD40LG protein. Other variant(s) that disrupt this region (p.Gln232*) have been determined to be pathogenic (PMID: 8550833,18805740). This suggests that variants that disrupt this region of the protein are likely to be causative of disease. This sequence change results in a premature translational stop signal in the CD40LG gene (p.Gln186*). While this is not anticipated to result in nonsense mediated decay, it is expected to disrupt the last 76 amino acids of the CD40LG protein. This variant is not present in population databases (ExAC no frequency).

Literature cited by the submitters: PubMed 9746782; PubMed 20591076; PubMed 8550833; PubMed 18805740.